The following is an entry in ClinVar:

NM_006947.4(SRP72):c.976A>G (p.Ile326Val)

Gene: SRP72 (signal recognition particle 72; plus strand). Cytogenetic location: 4q12.
Variant type: single nucleotide variant.
Coding change: c.976A>G on transcript NM_006947.4 (MANE Select); coding-DNA position 976, A replaced by G.
Protein change: p.Ile326Val; replaces isoleucine 326 with valine.
Molecular consequence: missense variant. On other transcripts: non-coding transcript variant (1).
Genome position (GRCh38, 1-based): chr4:56,484,754, A>G. VCF-style: chr4-56484754-A-G. GRCh37 (hg19) VCF-style: chr4-57350920-A-G.
Other names: c.976A>G (NM_006947.3); c.793A>G, p.Ile265Val (NM_001267722.2); short protein forms I326V, I265V.
Identifiers: ClinVar variation 1916396 (VCV001916396.8), dbSNP rs756869170, ClinGen allele CA2931247.

ClinVar aggregate classification (germline): Uncertain significance. Review status: criteria provided, multiple submitters, no conflicts (2 of 4 stars). 4 submissions from 4 submitters: Uncertain significance (4). Last evaluated 2026-05-22.

Conditions:
SRP72-related disorder. Also called: SRP72-related condition.

Allele frequency attached by ClinVar (database versions not stated): TOPMed 0.00002; ExAC 0.00003; gnomAD 0.00003; gnomAD exomes 0.00006.
gnomAD v4.1: 89 of 1,614,022 alleles (0.0055%); highest among the groups gnomAD compares: Non-Finnish European, 0.0072%; no homozygotes.

Submissions (4):

PreventionGenetics, part of Exact Sciences
Classification: Uncertain significance for SRP72-related condition. Last evaluated: 2026-05-22. Review status: criteria provided, single submitter. Criteria: ACMG Guidelines, 2015. Collection method: clinical testing. Allele origin: germline.
Comment: The SRP72 c.976A>G variant is predicted to result in the amino acid substitution p.Ile326Val. To our knowledge, this variant has not been reported in the literature. This variant is reported in 0.0046% of alleles in individuals of European (Non-Finnish) descent in gnomAD. At this time, the clinical significance of this variant is uncertain due to the absence of conclusive functional and genetic evidence.

Labcorp Genetics (formerly Invitae), Labcorp
Classification: Uncertain significance. Last evaluated: 2025-10-21. Review status: criteria provided, single submitter. Criteria: Invitae Variant Classification Sherloc (09022015). Collection method: clinical testing. Allele origin: germline.
Comment: This sequence change replaces isoleucine, which is neutral and non-polar, with valine, which is neutral and non-polar, at codon 326 of the SRP72 protein (p.Ile326Val). The frequency data for this variant in the population databases is considered unreliable, as metrics indicate poor data quality at this position in the gnomAD database. This variant has not been reported in the literature in individuals affected with SRP72-related conditions. ClinVar contains an entry for this variant (Variation ID: 1916396). Invitae Evidence Modeling of protein sequence and biophysical properties (such as structural, functional, and spatial information, amino acid conservation, physicochemical variation, residue mobility, and thermodynamic stability) indicates that this missense variant is not expected to disrupt SRP72 protein function with a negative predictive value of 80%. In summary, the available evidence is currently insufficient to determine the role of this variant in disease. Therefore, it has been classified as a Variant of Uncertain Significance.

Ambry Genetics
Classification: Uncertain significance. Last evaluated: 2024-11-22. Review status: criteria provided, single submitter. Criteria: Ambry Variant Classification Scheme 2023. Collection method: clinical testing. Allele origin: germline.
Comment: The p.I326V variant (also known as c.976A>G), located in coding exon 10 of the SRP72 gene, results from an A to G substitution at nucleotide position 976. The isoleucine at codon 326 is replaced by valine, an amino acid with highly similar properties. This amino acid position is conserved. In addition, this alteration is predicted to be tolerated by in silico analysis. Based on the available evidence, the clinical significance of this variant remains unclear.

GeneDx
Classification: Uncertain significance. Last evaluated: 2023-07-06. Review status: criteria provided, single submitter. Criteria: GeneDx Variant Classification Process June 2021. Collection method: clinical testing. Allele origin: germline. Affected: yes.
Comment: In silico analysis supports that this missense variant does not alter protein structure/function; Has not been previously published as pathogenic or benign to our knowledge